The following is an entry in ClinVar:

NM_012079.6(DGAT1):c.356_376delinsTGGTGGACCCCATCCAGGTGGTTTCTGGGACCCCATCC (p.Gln119fs)

Gene: DGAT1 (diacylglycerol O-acyltransferase 1; minus strand). Cytogenetic location: 8q24.3.
Variant type: Indel.
Coding change: c.356_376delinsTGGTGGACCCCATCCAGGTGGTTTCTGGGACCCCATCC on transcript NM_012079.6 (MANE Select); coding-DNA positions 356 to 376, the reference bases replaced by an inserted sequence.
Protein change: p.Gln119fs; shifts the reading frame from glutamine 119.
Molecular consequence: frameshift variant.
Genome position (GRCh38, 1-based): chr8:144,318,874-144,318,894, 21 bases replaced. GRCh37 (hg19): chr8:145,542,537-145,542,557.
Other names: short protein forms Q119fs.
Identifiers: ClinVar variation 2725251 (VCV002725251.3), dbSNP rs2488957018, ClinGen allele CA2697550259.

ClinVar aggregate classification (germline): Pathogenic (1 of 4 stars; one submission).

Submission:

Labcorp Genetics (formerly Invitae), Labcorp
Classification: Pathogenic. Last evaluated: 2023-05-25. Review status: criteria provided, single submitter. Criteria: Invitae Variant Classification Sherloc (09022015). Collection method: clinical testing. Allele origin: germline.
Comment: For these reasons, this variant has been classified as Pathogenic. This variant has not been reported in the literature in individuals affected with DGAT1-related conditions. This variant is not present in population databases (gnomAD no frequency). This sequence change creates a premature translational stop signal (p.Gln119Leufs*47) in the DGAT1 gene. It is expected to result in an absent or disrupted protein product. Loss-of-function variants in DGAT1 are known to be pathogenic (PMID: 29604290).

Literature cited by the submitters: PubMed 29604290.